The following is an entry in ClinVar:

ClinVar aggregate classification (germline): Uncertain significance. Review status: criteria provided, multiple submitters, no conflicts (2 of 4 stars). 2 submissions from 2 submitters: Uncertain significance (2). Last evaluated 2025-10-02.

Allele frequency attached by ClinVar (database versions not stated): ESP Exome Variant Server 0.00008; TOPMed 0.00012; gnomAD exomes 0.00017; gnomAD 0.00021; ExAC 0.00025.
gnomAD v4.1: 284 of 1,613,674 alleles (0.018%); highest among the groups gnomAD compares: Non-Finnish European, 0.02%; no homozygotes.

Submissions (2):

Labcorp Genetics (formerly Invitae), Labcorp
Classification: Uncertain significance. Last evaluated: 2025-10-02. Review status: criteria provided, single submitter. Criteria: Invitae Variant Classification Sherloc (09022015). Collection method: clinical testing. Allele origin: germline.
Comment: This sequence change replaces leucine, which is neutral and non-polar, with phenylalanine, which is neutral and non-polar, at codon 554 of the RPS6KC1 protein (p.Leu554Phe). This variant is present in population databases (rs200113819, gnomAD 0.04%). This variant has not been reported in the literature in individuals affected with RPS6KC1-related conditions. ClinVar contains an entry for this variant (Variation ID: 2060304). An algorithm developed to predict the effect of missense changes on protein structure and function outputs the following: PolyPhen-2: "Benign". The phenylalanine amino acid residue is found in multiple mammalian species, which suggests that this missense change does not adversely affect protein function. In summary, the available evidence is currently insufficient to determine the role of this variant in disease. Therefore, it has been classified as a Variant of Uncertain Significance.

Ambry Genetics
Classification: Uncertain significance. Last evaluated: 2025-02-11. Review status: criteria provided, single submitter. Criteria: Ambry Variant Classification Scheme 2023. Collection method: clinical testing. Allele origin: germline.

NM_012424.6(RPS6KC1):c.1660C>T (p.Leu554Phe)

Gene: RPS6KC1 (ribosomal protein S6 kinase C1; plus strand). Cytogenetic location: 1q32.3.
Variant type: single nucleotide variant.
Coding change: c.1660C>T on transcript NM_012424.6 (MANE Select); coding-DNA position 1660, C replaced by T.
Protein change: p.Leu554Phe; replaces leucine 554 with phenylalanine.
Molecular consequence: missense variant. On other transcripts: non-coding transcript variant (4).
Genome position (GRCh38, 1-based): chr1:213,241,136, C>T. VCF-style: chr1-213241136-C-T. GRCh37 (hg19) VCF-style: chr1-213414479-C-T.
Other names: c.1624C>T, p.Leu542Phe (NM_001136138.4); c.1024C>T, p.Leu342Phe (NM_001287218.3, NM_001287219.3, NM_001349654.2); c.265C>T, p.Leu89Phe (NM_001287220.3, NM_001349663.2, NM_001349664.2 and 8 more transcripts); c.1117C>T, p.Leu373Phe (NM_001287221.3, NM_001349648.2, NM_001349649.2 and 4 more transcripts); c.1567C>T, p.Leu523Phe (NM_001349646.2); c.1297C>T, p.Leu433Phe (NM_001349647.2); c.769C>T, p.Leu257Phe (NM_001349657.2, NM_001349658.2); c.604C>T, p.Leu202Phe (NM_001349659.2, NM_001349660.2, NM_001349661.2 and 1 more transcripts); and 1 more; short protein forms L257F, L373F, L89F, L523F, L542F, L202F, L433F, L554F.
Identifiers: ClinVar variation 2060304 (VCV002060304.5), dbSNP rs200113819, ClinGen allele CA1387496.